The following is an entry in ClinVar:

ClinVar aggregate classification (germline): Uncertain significance (1 of 4 stars; one submission).

gnomAD v4.1: 17 of 1,613,738 alleles (0.0011%); highest among the groups gnomAD compares: East Asian, 0.016%; no homozygotes.

Submission:

Labcorp Genetics (formerly Invitae), Labcorp
Classification: Uncertain significance. Last evaluated: 2025-12-08. Review status: criteria provided, single submitter. Criteria: Invitae Variant Classification Sherloc (09022015). Collection method: clinical testing. Allele origin: germline.
Comment: The TCF3 gene has multiple clinically relevant transcripts. This variant occurs in alternate transcript NM_001136139.3, and corresponds to NM_003200.4:c.1823-538C>T in the primary transcript. This sequence change replaces arginine, which is basic and polar, with tryptophan, which is neutral and slightly polar, at codon 545 of the TCF3 protein (p.Arg545Trp). This variant is not present in population databases (gnomAD no frequency). This variant has not been reported in the literature in individuals affected with TCF3-related conditions. ClinVar contains an entry for this variant (Variation ID: 3612354). Experimental studies and prediction algorithms are not available or were not evaluated, and the functional significance of this variant is currently unknown. Algorithms developed to predict the effect of sequence changes on RNA splicing suggest that this variant is not likely to affect RNA splicing. In summary, the available evidence is currently insufficient to determine the role of this variant in disease. Therefore, it has been classified as a Variant of Uncertain Significance.

NM_001136139.4(TCF3):c.1633C>T (p.Arg545Trp)

Gene: TCF3 (transcription factor 3; minus strand). Cytogenetic location: 19p13.3.
Variant type: single nucleotide variant.
Coding change: c.1633C>T on transcript NM_001136139.4 (MANE Plus Clinical); coding-DNA position 1633, C replaced by T.
Protein change: p.Arg545Trp; replaces arginine 545 with tryptophan.
Molecular consequence: missense variant. On other transcripts: intron variant (2).
Genome position (GRCh38, 1-based): chr19:1,612,387, G>A on the plus strand (C>T on the coding strand, the complement: TCF3 is on the minus strand). VCF-style: chr19-1612387-G-A. GRCh37 (hg19) VCF-style: chr19-1612386-G-A.
Other names: c.1633C>T, p.Arg545Trp (NM_001351779.2); c.1820-538C>T (NM_001351778.2); c.1823-538C>T (NM_003200.5); short protein forms R545W.
Identifiers: ClinVar variation 3612354 (VCV003612354.2).
Genomic context (GRCh38, chr19:1,612,387, plus strand): 5'-CCTCGTTAATATCCCGCACGCGCACCCGCTCCCGCGCGTTATTGGCCATGCGCCTCTCCC[G>A]GTCCCTCAGGTCTTTCTCCTCCAGGGACAGCACCTCGTCCGTACTGCTGGGTCACAGCAC-3'
Protein context (NP_001129611.1, residues 535-555): LSLEEKDLRD[Arg545Trp]ERRMANNARE